The following is an entry in ClinVar:

ClinVar aggregate classification (germline): Uncertain significance. Review status: criteria provided, multiple submitters, no conflicts (2 of 4 stars). 2 submissions from 2 submitters: Uncertain significance (2). Last evaluated 2025-06-18.

Conditions:
Hereditary cancer-predisposing syndrome. Also called: Tumor predisposition; Neoplastic Syndromes, Hereditary; Hereditary Cancer Syndrome; Hereditary neoplastic syndrome. Identifiers: Orphanet 140162, MedGen C0027672, MeSH D009386, MONDO:0015356.
POLD1-related polyposis and colorectal cancer syndrome (CRCS10). Also called: Colorectal cancer 10; COLORECTAL CANCER, SUSCEPTIBILITY TO, ON CHROMOSOME 19q; Colorectal cancer, susceptibility to, 10. Identifiers: Orphanet 220460, MedGen C2675481, MONDO:0012953, OMIM 612591.

Allele frequency attached by ClinVar (database versions not stated): gnomAD below 0.00001 and 0.00001; gnomAD exomes 0.00001.
gnomAD v4.1: 2 of 1,599,826 alleles (0.00013%); highest among the groups gnomAD compares: South Asian, 0.0022%; no homozygotes.

Submissions (2):

Ambry Genetics
Classification: Uncertain significance for Hereditary cancer-predisposing syndrome. Last evaluated: 2025-06-18. Review status: criteria provided, single submitter. Criteria: Ambry Variant Classification Scheme 2023. Collection method: clinical testing. Allele origin: germline.
Comment: The p.L310F variant (also known as c.930G>C), located in coding exon 7 of the POLD1 gene, results from a G to C substitution at nucleotide position 930. The leucine at codon 310 is replaced by phenylalanine, an amino acid with highly similar properties. This amino acid position is conserved. In addition, this alteration is predicted to be tolerated by in silico analysis. Since supporting evidence is limited at this time, the clinical significance of this alteration remains unclear.

Labcorp Genetics (formerly Invitae), Labcorp
Classification: Uncertain significance for POLD1-related polyposis and colorectal cancer syndrome. Last evaluated: 2023-08-11. Review status: criteria provided, single submitter. Criteria: Invitae Variant Classification Sherloc (09022015). Collection method: clinical testing. Allele origin: germline.
Comment: This sequence change replaces leucine, which is neutral and non-polar, with phenylalanine, which is neutral and non-polar, at codon 310 of the POLD1 protein (p.Leu310Phe). This variant is present in population databases (no rsID available, gnomAD 0.007%). This variant has not been reported in the literature in individuals affected with POLD1-related conditions. ClinVar contains an entry for this variant (Variation ID: 537030). Advanced modeling of protein sequence and biophysical properties (such as structural, functional, and spatial information, amino acid conservation, physicochemical variation, residue mobility, and thermodynamic stability) performed at Invitae indicates that this missense variant is not expected to disrupt POLD1 protein function. In summary, the available evidence is currently insufficient to determine the role of this variant in disease. Therefore, it has been classified as a Variant of Uncertain Significance.

NM_002691.4(POLD1):c.930G>C (p.Leu310Phe)

Gene: POLD1 (DNA polymerase delta 1, catalytic subunit; plus strand). Cytogenetic location: 19q13.33.
Variant type: single nucleotide variant.
Coding change: c.930G>C on transcript NM_002691.4 (MANE Select); coding-DNA position 930, G replaced by C.
Protein change: p.Leu310Phe; replaces leucine 310 with phenylalanine.
Molecular consequence: missense variant. On other transcripts: non-coding transcript variant (1).
Genome position (GRCh38, 1-based): chr19:50,402,701, G>C. VCF-style: chr19-50402701-G-C. GRCh37 (hg19) VCF-style: chr19-50905958-G-C.
Other names: c.930G>C, p.Leu310Phe (NM_001256849.1, NM_001308632.1); short protein forms L310F.
Identifiers: ClinVar variation 537030 (VCV000537030.10), dbSNP rs1290315327, ClinGen allele CA406977206.
Genomic context (GRCh38, chr19:50,402,701, plus strand): 5'-GCTGTGGTCTGACGTGGTCAGTCACCCACCGGAAGGGCCATGGCAGCGCATTGCGCCCTT[G>C]CGCGTGCTCAGCTTCGATATCGAGTGCGCCGGCCGCAAAGGTCTGTCCCCGGGCCCGGGC-3'
Protein context (NP_002682.2, residues 300-320): PEGPWQRIAP[Leu310Phe]RVLSFDIECA